The following is an entry in ClinVar:

NM_001084.5(PLOD3):c.976G>A (p.Asp326Asn)

Gene: PLOD3 (procollagen-lysine,2-oxoglutarate 5-dioxygenase 3; minus strand). Cytogenetic location: 7q22.1.
Variant type: single nucleotide variant.
Coding change: c.976G>A on transcript NM_001084.5 (MANE Select); coding-DNA position 976, G replaced by A.
Protein change: p.Asp326Asn; replaces aspartic acid 326 with asparagine.
Molecular consequence: missense variant.
Genome position (GRCh38, 1-based): chr7:101,212,559, C>T on the plus strand (G>A on the coding strand, the complement: PLOD3 is on the minus strand). VCF-style: chr7-101212559-C-T. GRCh37 (hg19) VCF-style: chr7-100855840-C-T.
Other names: short protein forms D326N.
Identifiers: ClinVar variation 1487783 (VCV001487783.6), dbSNP rs369736445, ClinGen allele CA4407917.

ClinVar aggregate classification (germline): Uncertain significance. Review status: criteria provided, multiple submitters, no conflicts (2 of 4 stars). 2 submissions from 2 submitters: Uncertain significance (2). Last evaluated 2022-03-19.

Conditions:
Bone fragility with contractures, arterial rupture, and deafness. Also called: BCARD SYNDROME; BONE ABNORMALITIES, CATARACT, ARTERIAL RUPTURE, AND DEAFNESS; LH3 DEFICIENCY; LYSYL HYDROXYLASE 3 DEFICIENCY. Identifiers: Orphanet 300284, MedGen C2676285, MONDO:0012892, OMIM 612394.

Allele frequency attached by ClinVar (database versions not stated): gnomAD exomes 0.00001 and 0.00006; gnomAD 0.00003 and 0.00004; TOPMed 0.00006; ExAC 0.00007; ESP Exome Variant Server 0.00008; 1000 Genomes Project 0.00020; 1000 Genomes Project 30x 0.00031.
gnomAD v4.1: 22 of 1,613,240 alleles (0.0014%); highest among the groups gnomAD compares: African/African-American, 0.016%; no homozygotes.

Submissions (2):

Labcorp Genetics (formerly Invitae), Labcorp
Classification: Uncertain significance. Last evaluated: 2022-03-19. Review status: criteria provided, single submitter. Criteria: Invitae Variant Classification Sherloc (09022015). Collection method: clinical testing. Allele origin: germline.
Comment: This sequence change replaces aspartic acid, which is acidic and polar, with asparagine, which is neutral and polar, at codon 326 of the PLOD3 protein (p.Asp326Asn). This variant is present in population databases (rs369736445, gnomAD 0.04%). This variant has not been reported in the literature in individuals affected with PLOD3-related conditions. Algorithms developed to predict the effect of missense changes on protein structure and function (SIFT, PolyPhen-2, Align-GVGD) all suggest that this variant is likely to be tolerated. In summary, the available evidence is currently insufficient to determine the role of this variant in disease. Therefore, it has been classified as a Variant of Uncertain Significance.

Revvity Omics, Revvity
Classification: Uncertain significance for Bone fragility with contractures, arterial rupture, and deafness. Last evaluated: 2021-01-22. Review status: criteria provided, single submitter. Criteria: ACMG Guidelines, 2015. Collection method: clinical testing. Allele origin: germline.